The following is an entry in ClinVar:

NM_001378457.1(DMXL2):c.6932C>G (p.Ala2311Gly)

Gene: DMXL2 (Dmx like 2; minus strand). Cytogenetic location: 15q21.2.
Variant type: single nucleotide variant.
Coding change: c.6932C>G on transcript NM_001378457.1 (MANE Select); coding-DNA position 6932, C replaced by G.
Protein change: p.Ala2311Gly; replaces alanine 2311 with glycine.
Molecular consequence: missense variant. On other transcripts: non-coding transcript variant (2).
Genome position (GRCh38, 1-based): chr15:51,476,621, G>C on the plus strand (C>G on the coding strand, the complement: DMXL2 is on the minus strand). VCF-style: chr15-51476621-G-C. GRCh37 (hg19) VCF-style: chr15-51768818-G-C.
Other names: c.6932C>G, p.Ala2311Gly (NM_001174116.3, NM_001378459.1, NM_001378461.1 and 1 more transcripts); c.5021C>G, p.Ala1674Gly (NM_001174117.3); c.6929C>G, p.Ala2310Gly (NM_001378458.1, NM_001378462.1, NM_015263.5); c.4910C>G, p.Ala1637Gly (NM_001378460.1); c.6689C>G, p.Ala2230Gly (NM_001378464.1); c.6932C>G (NM_001174116.1); short protein forms A2311G, A2230G, A1674G, A1637G, A2310G.
Identifiers: ClinVar variation 2084689 (VCV002084689.5), dbSNP rs746573677, ClinGen allele CA392441470.
Genomic context (GRCh38, chr15:51,476,621, plus strand): 5'-TTTTTTTTTTAATCATTTAAATTCTCACCAGGCCATTGAGCAGGAGATGAATTTGGTGTT[G>C]CGTGTTCTTCAATGCTTTCTGTCCTTAGTCTTCTACGATCACTTAAAAGAAGTCCTTGAT-3'
Protein context (NP_001365386.1, residues 2301-2321): RLRTESIEEH[Ala2311Gly]TPNSSPAQWP

ClinVar aggregate classification (germline): Uncertain significance. Review status: criteria provided, multiple submitters, no conflicts (2 of 4 stars). 2 submissions from 2 submitters: Uncertain significance (2). Last evaluated 2025-12-11.

Conditions:
Inborn genetic diseases. Identifiers: MedGen C0950123, MeSH D030342.

gnomAD v4.1: 3 of 1,610,906 alleles (0.00019%); highest among the groups gnomAD compares: Non-Finnish European, 0.00025%; no homozygotes.

Submissions (2):

Ambry Genetics
Classification: Uncertain significance for Inborn genetic diseases. Last evaluated: 2025-12-11. Review status: criteria provided, single submitter. Criteria: Ambry Variant Classification Scheme 2023. Collection method: clinical testing. Allele origin: germline.

Labcorp Genetics (formerly Invitae), Labcorp
Classification: Uncertain significance. Last evaluated: 2022-08-20. Review status: criteria provided, single submitter. Criteria: Invitae Variant Classification Sherloc (09022015). Collection method: clinical testing. Allele origin: germline.
Comment: In summary, the available evidence is currently insufficient to determine the role of this variant in disease. Therefore, it has been classified as a Variant of Uncertain Significance. Algorithms developed to predict the effect of missense changes on protein structure and function are either unavailable or do not agree on the potential impact of this missense change (SIFT: "Tolerated"; PolyPhen-2: "Possibly Damaging"; Align-GVGD: "Class C0"). This variant has not been reported in the literature in individuals affected with DMXL2-related conditions. This variant is not present in population databases (gnomAD no frequency). This sequence change replaces alanine, which is neutral and non-polar, with glycine, which is neutral and non-polar, at codon 2311 of the DMXL2 protein (p.Ala2311Gly).